The following is an entry in ClinVar:

ClinVar aggregate classification (germline): Uncertain significance. Review status: criteria provided, multiple submitters, no conflicts (2 of 4 stars). 3 submissions from 3 submitters: Uncertain significance (3). Last evaluated 2025-08-07.

Conditions:
Classic or attenuated familial adenomatous polyposis. Identifiers: MedGen CN372698, MONDO:0021057.
Hereditary cancer-predisposing syndrome. Also called: Hereditary neoplastic syndrome; Neoplastic Syndromes, Hereditary; Hereditary Cancer Syndrome; Tumor predisposition. Identifiers: Orphanet 140162, MedGen C0027672, MeSH D009386, MONDO:0015356.
Familial adenomatous polyposis 1 (FAP1). Also called: POLYPOSIS, ADENOMATOUS INTESTINAL; FAMILIAL ADENOMATOUS POLYPOSIS 1, ATTENUATED. Identifiers: MedGen C2713442, MONDO:0021056, OMIM 175100. Disease mechanism: loss of function.

Submissions (3):

Labcorp Genetics (formerly Invitae), Labcorp
Classification: Uncertain significance for Familial adenomatous polyposis 1. Last evaluated: 2025-08-07. Review status: criteria provided, single submitter. Criteria: Invitae Variant Classification Sherloc (09022015). Collection method: clinical testing. Allele origin: germline.
Comment: This sequence change replaces leucine, which is neutral and non-polar, with isoleucine, which is neutral and non-polar, at codon 409 of the APC protein (p.Leu409Ile). This variant is not present in population databases (gnomAD no frequency). This variant has not been reported in the literature in individuals affected with APC-related conditions. ClinVar contains an entry for this variant (Variation ID: 659964). Invitae Evidence Modeling of protein sequence and biophysical properties (such as structural, functional, and spatial information, amino acid conservation, physicochemical variation, residue mobility, and thermodynamic stability) indicates that this missense variant is not expected to disrupt APC protein function with a negative predictive value of 95%. In summary, the available evidence is currently insufficient to determine the role of this variant in disease. Therefore, it has been classified as a Variant of Uncertain Significance.

Ambry Genetics
Classification: Uncertain significance for Hereditary cancer-predisposing syndrome. Last evaluated: 2025-05-11. Review status: criteria provided, single submitter. Criteria: Ambry Variant Classification Scheme 2023. Collection method: clinical testing. Allele origin: germline.
Comment: The p.L409I variant (also known as c.1225C>A), located in coding exon 9 of the APC gene, results from a C to A substitution at nucleotide position 1225. The leucine at codon 409 is replaced by isoleucine, an amino acid with highly similar properties. This amino acid position is highly conserved in available vertebrate species. In addition, in silico predictors for this gene do not accurately predict pathogenicity. Since supporting evidence is limited at this time, the clinical significance of this alteration remains unclear.

All of Us Research Program, National Institutes of Health
Classification: Uncertain significance for Classic or attenuated familial adenomatous polyposis. Last evaluated: 2023-06-26. Review status: criteria provided, single submitter. Criteria: ACMG Guidelines, 2015. Collection method: clinical testing. Allele origin: germline. Inheritance: Autosomal dominant inheritance. Observed: 1 variant allele, 1 heterozygote.
Comment: This missense variant replaces leucine with isoleucine at codon 409 of the APC protein. Computational prediction suggests that this variant may not impact protein structure and function (internally defined REVEL score threshold <= 0.5, PMID: 27666373). To our knowledge, functional studies have not been reported for this variant. This variant has not been reported in individuals affected with APC-related disorders in the literature. This variant has not been identified in the general population by the Genome Aggregation Database (gnomAD). The available evidence is insufficient to determine the role of this variant in disease conclusively. Therefore, this variant is classified as a Variant of Uncertain Significance.

This study involves interpretation of variants in research participants for the purpose of population health screening. Participant phenotype was not available at the time of variant classification. Additional details can be found in publication PMID: 35346344, PMCID: PMC8962531

NM_000038.6(APC):c.1225C>A (p.Leu409Ile)

Gene: APC (APC regulator of Wnt signaling pathway; plus strand). Cytogenetic location: 5q22.2.
Variant type: single nucleotide variant.
Coding change: c.1225C>A on transcript NM_000038.6 (MANE Select); coding-DNA position 1225, C replaced by A.
Protein change: p.Leu409Ile; replaces leucine 409 with isoleucine.
Molecular consequence: missense variant. On other transcripts: intron variant (4).
Genome position (GRCh38, 1-based): chr5:112,819,257, C>A. VCF-style: chr5-112819257-C-A. GRCh37 (hg19) VCF-style: chr5-112154954-C-A.
Other names: c.1225C>A, p.Leu409Ile (NM_001127510.3, NM_001354895.2, NM_001354896.2); c.1171C>A, p.Leu391Ile (NM_001127511.3); c.1255C>A, p.Leu419Ile (NM_001354897.2); c.1150C>A, p.Leu384Ile (NM_001354898.2); c.1141C>A, p.Leu381Ile (NM_001354899.2); c.1048C>A, p.Leu350Ile (NM_001354900.2, NM_001354901.2); c.376C>A, p.Leu126Ile (NM_001354906.2); c.964-12C>A (NM_001354902.2); and 3 more; short protein forms L409I, L419I, L126I, L391I, L350I, L381I, L384I.
Identifiers: ClinVar variation 659964 (VCV000659964.14), dbSNP rs1580530717, ClinGen allele CA16023982.